The following is an entry in ClinVar:

ClinVar aggregate classification (germline): Pathogenic. Review status: criteria provided, multiple submitters, no conflicts (2 of 4 stars). 10 submissions from 10 submitters: Pathogenic (8). 2 of the submissions do not count toward it. Last evaluated 2025-06-30.

Conditions:
BRCA1-related cancer predisposition. Identifiers: MedGen CN377757, MONDO:0700268.
Hereditary cancer-predisposing syndrome. Also called: Hereditary Cancer Syndrome; Neoplastic Syndromes, Hereditary; Hereditary neoplastic syndrome; Tumor predisposition. Identifiers: Orphanet 140162, MedGen C0027672, MeSH D009386, MONDO:0015356.
Hereditary breast ovarian cancer syndrome. Also called: Breast and ovarian cancer; Hereditary breast and ovarian cancer syndrome; Hereditary breast and ovarian cancer syndrome (HBOC); BRCA1- and BRCA2-Associated Hereditary Breast and Ovarian Cancer; Hereditary breast and ovarian cancer; Hereditary breast and/or ovarian cancer syndrome. Identifiers: Orphanet 145, MedGen C0677776, MeSH D061325, MONDO:0003582. Disease mechanism: loss of function.
Breast-ovarian cancer, familial, susceptibility to, 1 (BROVCA1). Also called: BRCA1 Hereditary Breast and Ovarian Cancer; OVARIAN CANCER, SUSCEPTIBILITY TO. Identifiers: Orphanet 145, MedGen C2676676, MONDO:0011450, OMIM 604370. Disease mechanism: loss of function.

Allele frequency attached by ClinVar (database versions not stated): gnomAD exomes below 0.00001; ExAC 0.00001.

Submissions (11):

Hema, HEMA – Genetic and Molecular Diagnostic Laboratory
Classification: Pathogenic for BRCA1-related cancer predisposition. Last evaluated: 2025-06-30. Review status: criteria provided, single submitter. Criteria: HEMA Variant Classification Assertion Criteria. Collection method: clinical testing. Allele origin: germline.
Comment: It is a transversion from cytosine to adenine that affects the acceptor splice site of intron 19 of the BRCA1 gene. PVS1: Variant at the acceptor splice site (-1) of intron 19 of BRCA1. The variant results in exon 20 skipping or the use of a cryptic acceptor site, leading in both cases to a frameshift and the introduction of a premature stop codon (PMID: 29750258). PS3: Functional studies showed that the variant affects the function of BRCA1 (PMID: 30209399). PM2_Supporting: Absent in gnomAD v2.1 (non-cancer) and gnomAD v3.1 (non-cancer).

Labcorp Genetics (formerly Invitae), Labcorp
Classification: Pathogenic for Hereditary breast ovarian cancer syndrome. Last evaluated: 2024-04-22. Review status: criteria provided, single submitter. Criteria: Invitae Variant Classification Sherloc (09022015). Collection method: clinical testing. Allele origin: germline.
Comment: This sequence change affects an acceptor splice site in intron 19 of the BRCA1 gene. It is expected to disrupt RNA splicing. Variants that disrupt the donor or acceptor splice site typically lead to a loss of protein function (PMID: 16199547), and loss-of-function variants in BRCA1 are known to be pathogenic (PMID: 20104584). This variant is present in population databases (rs80358099, gnomAD 0.0009%). Disruption of this splice site has been observed in individual(s) with breast and/or ovarian cancer (PMID: 9391879, 24916970). It has also been observed to segregate with disease in related individuals. ClinVar contains an entry for this variant (Variation ID: 55502). Algorithms developed to predict the effect of sequence changes on RNA splicing suggest that this variant may disrupt the consensus splice site. For these reasons, this variant has been classified as Pathogenic.

Color Diagnostics, LLC DBA Color Health
Classification: Pathogenic for Hereditary cancer-predisposing syndrome. Last evaluated: 2023-12-12. Review status: criteria provided, single submitter. Criteria: ACMG Guidelines, 2015. Collection method: clinical testing. Allele origin: germline.
Comment: This variant causes a G to T nucleotide substitution at the -1 position of intron 19 of the BRCA1 gene. Other substitutions at this position have been shown to cause out-of-frame splicing in carrier-derived RNA (PMID: 22505045, 23239986, 27886673). A functional study that requires proper RNA splicing has shown that this variant impact BRCA1 function in a haploid cell proliferation assay (PMID: 30209399). This variant has been reported in individuals and families affected with breast cancer (PMID: 9391879, 9760198, 24916970, 29805665). Substitutions at the -2A and -1G positions of this acceptor site have been reported as (likely) disease causing in ClinVar (variation ID: 55500, 55501, 55503, 267593, 868283). This variant has been identified in 1/251146 chromosomes in the general population by the Genome Aggregation Database (gnomAD). Loss of BRCA1 function is a known mechanism of disease. Based on the available evidence, this variant is classified as Pathogenic.

Ambry Genetics
Classification: Pathogenic for Hereditary cancer-predisposing syndrome. Last evaluated: 2023-01-17. Review status: criteria provided, single submitter. Criteria: Ambry Variant Classification Scheme 2023. Collection method: clinical testing. Allele origin: germline.
Comment: The c.5278-1G>T intronic pathogenic mutation results from a G to T substitution one nucleotide upstream from coding exon 19 of the BRCA1 gene. This mutation (designated as intron 20 position 1 G>T) has been identified in a high-risk German breast cancer kindred and shown to segregate with disease (Hamann U et al. J. Med. Genet., 1997 Nov;34:884-8). It was also seen in a high-risk Portuguese family (Peixoto A et al. Clin. Genet. 2015 Jul;88(1):41-8). One functional study found that this nucleotide substitution is non-functional in a high-throughput, genome editing, haploid cell survival assay (Findlay GM et al. Nature. 2018 Oct;562(7726):217-222). In addition to the clinical data presented in the literature, alterations that disrupt the canonical splice site are expected to cause aberrant splicing, resulting in an abnormal protein or a transcript that is subject to nonsense-mediated mRNA decay. As such, this alteration is classified as a disease-causing mutation.

Women's Health and Genetics/Laboratory Corporation of America, LabCorp
Classification: Pathogenic for Hereditary breast and ovarian cancer syndrome. Last evaluated: 2019-10-30. Review status: criteria provided, single submitter. Criteria: LabCorp Variant Classification Summary - May 2015. Collection method: clinical testing. Allele origin: germline.
Comment: Variant summary: BRCA1 c.5278-1G>T is located in a canonical splice-site and is predicted to affect mRNA splicing resulting in a significantly altered protein due to either exon skipping, shortening, or inclusion of intronic material. Several computational tools predict a significant impact on normal splicing: five tools predict the variant abolishes a 3' canonical acceptor site and strengthens a cryptic 3' acceptor site 8 nucleotides downstream from the canonical splice-site. While these predictions have yet to be confirmed by functional studies, a different variant affecting the same nucleotide position (c.5278-1G>A) has been demonstrated to result in aberrant transcripts, either lacking exon 20 or the first 8 nucleotides of exon 20, both of which predicted to cause a frameshift at the protein level (PMID: 23239986). The variant allele was found at a frequency of 4e-06 in 251146 control chromosomes (gnomAD). c.5278-1G>T has been reported in the literature in multiple individuals affected with Hereditary Breast and Ovarian Cancer (e.g. Hamann_1997, Dong_1998, Peixoto_2014, Rebbeck_2018). These data indicate that the variant is very likely to be associated with disease. To our knowledge, no experimental evidence demonstrating an impact on protein function has been reported. Four ClinVar submitters (evaluation after 2014) cite the variant as pathogenic. Based on the evidence outlined above, the variant was classified as pathogenic.

GeneDx
Classification: Pathogenic. Last evaluated: 2017-06-12. Review status: criteria provided, single submitter. Criteria: GeneDx Variant Classification (06012015). Collection method: clinical testing. Allele origin: germline. Affected: yes.
Comment: This variant is denoted BRCA1 c.5278-1G>T or IVS19-1G>T and consists of a G>T nucleotide substitution at the -1 position of intron 19 of the BRCA1 gene. Using alternate nomenclature, this variant has previously been published as BRCA1 5397-1G>T and IVS20-1G>T. This variant destroys a canonical splice acceptor site and is predicted to cause abnormal gene splicing, leading to either an abnormal message that is subject to nonsense-mediated mRNA decay or to an abnormal protein product. This variant has been demonstrated in vitro to create some transcripts which lack exon 20 and other which are missing the first 13 nucleotides of exon 20, both of which are deleterious to the protein (Wappenschmidt 2012). This variant has also been reported in families with breast and/or ovarian cancer (Dong 1998, Piexoto 2015). Based on the current evidence, we consider this variant to be pathogenic.

Genologica Medica
Classification: Pathogenic for Breast-ovarian cancer, familial, susceptibility to, 1. Last evaluated: 2017-01-01. Review status: criteria provided, single submitter. Criteria: ACMG Guidelines, 2015. Collection method: clinical testing. Allele origin: germline. Affected: yes.

Consortium of Investigators of Modifiers of BRCA1/2 (CIMBA), c/o University of Cambridge
Classification: Pathogenic for Breast-ovarian cancer, familial, susceptibility to, 1. Last evaluated: 2015-10-02. Review status: criteria provided, single submitter. Criteria: CIMBA Mutation Classification guidelines May 2016. Collection method: clinical testing. Allele origin: germline.

Molecular Oncology, Hospital Universitario Central de Asturias (HUCA)
Classification: Pathogenic for Breast-ovarian cancer, familial, susceptibility to, 1. Last evaluated: 2021-05-24. Review status: no assertion criteria provided. Collection method: case-control. Allele origin: germline. Affected: yes. Not counted in ClinVar's aggregate classification.
Comment: RNA analysis by RT-PCR in our laboratory showed that this variant gives rise to two transcripts, the major one lacking the first 8 nt of exon 21 (NM_007294.4, legacy numbering), r.5278_5285del, p.Ile1760Glyfs*67; and the minor one, lacking full exon 21, r.5278_5332del, p.Phe1761Asnfs*14, both of them resulting in a frameshift. The relative abundance of each splicing transcript was calculated, compared to full-length, yielding a level of altered transcripts around 50% in all cases, suggesting that variant allele did not contribute to generate normal transcript

Breast Cancer Information Core (BIC) (BRCA1)
Classification: Pathogenic for Breast-ovarian cancer, familial 1. Last evaluated: 2004-02-20. Review status: no assertion criteria provided. Collection method: clinical testing. Allele origin: germline. Affected: yes. Observed: 4 variant alleles. Not counted in ClinVar's aggregate classification.

Brotman Baty Institute, University of Washington
No classification provided (evidence only). Condition: Breast-ovarian cancer, familial 1. Review status: no classification provided. Collection method: in vitro. Allele origin: not applicable. Functional consequence: functionally_abnormal. Not counted in ClinVar's aggregate classification.
ClinVar note: "not provided" was previously submitted as the classification for the variant. However, the classification appeared to be based only on an observation of functional data so it was converted to no classification on 2025-07-30.

Literature cited by the submitters: PubMed 29750258 (cited by Hema, HEMA – Genetic and Molecular Diagnostic Laboratory); PubMed 30209399 (cited by 3 submitters); PubMed 16199547 (cited by Labcorp Genetics (formerly Invitae), Labcorp); PubMed 20104584 (cited by Labcorp Genetics (formerly Invitae), Labcorp); PubMed 9391879 (cited by 4 submitters); PubMed 24916970 (cited by 4 submitters); PubMed 9760198 (cited by Color Diagnostics, LLC DBA Color Health and Women's Health and Genetics/Laboratory Corporation of America, LabCorp); PubMed 22505045 (cited by Color Diagnostics, LLC DBA Color Health); PubMed 23239986 (cited by Color Diagnostics, LLC DBA Color Health); PubMed 27886673 (cited by Color Diagnostics, LLC DBA Color Health); PubMed 29805665 (cited by Color Diagnostics, LLC DBA Color Health and Ambry Genetics); PubMed 29446198 (cited by Women's Health and Genetics/Laboratory Corporation of America, LabCorp); PubMed 38922859 (cited by Molecular Oncology, Hospital Universitario Central de Asturias (HUCA)).

NM_007294.4(BRCA1):c.5278-1G>T

Gene: BRCA1 (BRCA1 DNA repair associated; minus strand). Cytogenetic location: 17q21.31.
Variant type: single nucleotide variant.
Coding change: c.5278-1G>T on transcript NM_007294.4 (MANE Select); the canonical splice acceptor site of the intron before coding-DNA position 5278, G replaced by T.
Molecular consequence: splice acceptor variant. On other transcripts: intron variant (2).
Genome position (GRCh38, 1-based): chr17:43,051,118, C>A on the plus strand (G>T on the coding strand, the complement: BRCA1 is on the minus strand). VCF-style: chr17-43051118-C-A. GRCh37 (hg19) VCF-style: chr17-41203135-C-A.
Other names: IVS20-1G>T; c.1825-1G>T (NM_001408458.1, NM_001408461.1, NM_001408464.1 and 7 more transcripts); c.4387-1G>T (NM_001407967.1); c.4897-1G>T (NM_001407959.1); c.5011-1G>T (NM_001407931.1, NM_001407932.1, NM_001407928.1 and 4 more transcripts); c.5134-1G>T (NM_001407747.1, NM_001407745.1, NM_001407737.1 and 21 more transcripts); c.4894-1G>T (NM_001407962.1, NM_001407960.1); c.1465-1G>T (NM_001408512.1); and 75 more.
Identifiers: ClinVar variation 55502 (VCV000055502.26), dbSNP rs80358099, ClinGen allele CA003436.